The following is an entry in ClinVar:

ClinVar aggregate classification (germline): Likely benign (1 of 4 stars; one submission).

Conditions:
NCOA1-related disorder. Also called: NCOA1-related condition.

gnomAD v4.1: 6 of 1,612,224 alleles (0.00037%); highest among the groups gnomAD compares: Non-Finnish European, 0.00051%; 1 homozygote.

Submission:

PreventionGenetics, part of Exact Sciences
Classification: Likely benign for NCOA1-related condition. Last evaluated: 2026-06-23. Review status: criteria provided, single submitter. Criteria: ACMG Guidelines, 2015. Collection method: clinical testing. Allele origin: germline.
Comment: This variant is classified as likely benign based on ACMG/AMP sequence variant interpretation guidelines (Richards et al. 2015 PMID: 25741868, with internal and published modifications).

NM_003743.5(NCOA1):c.2419-10C>G

Gene: NCOA1 (nuclear receptor coactivator 1; plus strand). Cytogenetic location: 2p23.3.
Variant type: single nucleotide variant.
Coding change: c.2419-10C>G on transcript NM_003743.5 (MANE Select); 10 bases into the intron before coding-DNA position 2419, C replaced by G.
Molecular consequence: intron variant.
Genome position (GRCh38, 1-based): chr2:24,710,921, C>G. VCF-style: chr2-24710921-C-G. GRCh37 (hg19) VCF-style: chr2-24933790-C-G.
Other names: c.2419-10C>G (NM_001362950.1, NM_147223.3, NM_001362955.1 and 3 more transcripts).
Identifiers: ClinVar variation 4987399 (VCV004987399.1).